The following is an entry in ClinVar:

NM_020376.4(PNPLA2):c.369C>T (p.Asp123=)

Gene: PNPLA2 (patatin like domain 2, triacylglycerol lipase; plus strand). Cytogenetic location: 11p15.5.
Variant type: single nucleotide variant.
Coding change: c.369C>T on transcript NM_020376.4 (MANE Select); coding-DNA position 369, C replaced by T.
Protein change: p.Asp123=; no amino-acid change (aspartic acid 123 retained).
Molecular consequence: synonymous variant.
Genome position (GRCh38, 1-based): chr11:821,809, C>T. VCF-style: chr11-821809-C-T. GRCh37 (hg19) VCF-style: chr11-821809-C-T.
Other names: p.Asp123=.
Identifiers: ClinVar variation 261241 (VCV000261241.45), dbSNP rs142174851, ClinGen allele CA5790948.
Genomic context (GRCh38, chr11:821,809, plus strand): 5'-TGCTGATAGCCATGAGCATGCCAGTGGGCGCCTGGGCATCTCCCTGACCCGCGTGTCAGA[C>T]GGCGAGAATGTCATTATATCCCACTTCAACTCCAAGGACGAGCTCATCCAGGTGGGGCCT-3'
Protein context (NP_065109.1, residues 113-133): RLGISLTRVS[Asp123=]GENVIISHFN

ClinVar aggregate classification (germline): Conflicting classifications of pathogenicity. Review status: criteria provided, conflicting classifications (1 of 4 stars). 6 submissions from 6 submitters: Uncertain significance (1); Likely benign (5). Last evaluated 2026-02-01.

Conditions:
Neutral lipid storage myopathy (NLSDM). Also called: NEUTRAL LIPID STORAGE DISEASE WITHOUT ICHTHYOSIS. Identifiers: Orphanet 98908, MedGen C1853136, MONDO:0012545, OMIM 610717.

Allele frequency attached by ClinVar (database versions not stated): ESP Exome Variant Server 0.00038; 1000 Genomes Project 0.00040; 1000 Genomes Project 30x 0.00047; ExAC 0.00058; gnomAD 0.00067 and 0.00068; gnomAD exomes 0.00069; TOPMed 0.00094.
gnomAD v4.1: 1,053 of 1,613,964 alleles (0.065%); highest among the groups gnomAD compares: Admixed American, 0.24%; 2 homozygotes.

Submissions (6):

Labcorp Genetics (formerly Invitae), Labcorp
Classification: Likely benign for Neutral lipid storage myopathy. Last evaluated: 2026-02-01. Review status: criteria provided, single submitter. Criteria: Invitae Variant Classification Sherloc (09022015). Collection method: clinical testing. Allele origin: germline.

Mayo Clinic Laboratories, Mayo Clinic
Classification: Likely benign. Last evaluated: 2025-09-03. Review status: criteria provided, single submitter. Criteria: ACMG Guidelines, 2015. Collection method: clinical testing. Allele origin: germline. Observed: 3 variant alleles.
Comment: BS1, BP4, BP7

Blueprint Genetics
Classification: Likely benign. Last evaluated: 2024-11-07. Review status: criteria provided, single submitter. Criteria: ACMG Guidelines, 2015. Collection method: clinical testing. Allele origin: germline.

CeGaT Center for Human Genetics Tuebingen
Classification: Likely benign. Last evaluated: 2022-12-01. Review status: criteria provided, single submitter. Criteria: CeGaT Center For Human Genetics Tuebingen Variant Classification Criteria Version 2. Collection method: clinical testing. Allele origin: germline. Affected: yes. Observed: 2 variant alleles.
Comment: PNPLA2: BP4, BP7

Illumina Laboratory Services, Illumina
Classification: Uncertain significance for Neutral lipid storage myopathy. Last evaluated: 2018-01-13. Review status: criteria provided, single submitter. Criteria: ICSL Variant Classification Criteria 13 December 2019. Collection method: clinical testing. Allele origin: germline.

PreventionGenetics, part of Exact Sciences
Classification: Likely benign. Review status: criteria provided, single submitter. Criteria: ACMG Guidelines, 2015. Collection method: clinical testing. Allele origin: germline.